The following is an entry in ClinVar:

ClinVar aggregate classification (germline): Uncertain significance (1 of 4 stars; one submission).

Allele frequency attached by ClinVar (database versions not stated): TOPMed 0.00001.

Submission:

Labcorp Genetics (formerly Invitae), Labcorp
Classification: Uncertain significance. Last evaluated: 2025-04-17. Review status: criteria provided, single submitter. Criteria: Invitae Variant Classification Sherloc (09022015). Collection method: clinical testing. Allele origin: germline.
Comment: This sequence change replaces arginine, which is basic and polar, with threonine, which is neutral and polar, at codon 397 of the COL18A1 protein (p.Arg397Thr). This variant is not present in population databases (gnomAD no frequency). This variant has not been reported in the literature in individuals affected with COL18A1-related conditions. ClinVar contains an entry for this variant (Variation ID: 2049356). Experimental studies and prediction algorithms are not available or were not evaluated, and the functional significance of this variant is currently unknown. In summary, the available evidence is currently insufficient to determine the role of this variant in disease. Therefore, it has been classified as a Variant of Uncertain Significance.

NM_001379500.1(COL18A1):c.1190G>C (p.Arg397Thr)

Gene: COL18A1 (collagen type XVIII alpha 1 chain; plus strand). Cytogenetic location: 21q22.3.
Variant type: single nucleotide variant.
Coding change: c.1190G>C on transcript NM_001379500.1 (MANE Select); coding-DNA position 1190, G replaced by C.
Protein change: p.Arg397Thr; replaces arginine 397 with threonine.
Molecular consequence: missense variant.
Genome position (GRCh38, 1-based): chr21:45,477,934, G>C. VCF-style: chr21-45477934-G-C. GRCh37 (hg19) VCF-style: chr21-46897848-G-C.
Other names: c.1730G>C, p.Arg577Thr (NM_030582.4); c.2435G>C, p.Arg812Thr (NM_130444.3); short protein forms R812T, R577T, R397T.
Identifiers: ClinVar variation 2049356 (VCV002049356.4), dbSNP rs1017815787, ClinGen allele CA321916478.